The following is an entry in ClinVar:

ClinVar aggregate classification (germline): Uncertain significance (1 of 4 stars; one submission).

Conditions:
Acyl-CoA oxidase deficiency. Also called: STRAIGHT-CHAIN ACYL-CoA OXIDASE DEFICIENCY; Pseudoneonatal adrenoleukodystrophy; Peroxisomal acyl-CoA oxidase deficiency. Identifiers: Orphanet 2971, MedGen C1849678, MONDO:0009919, OMIM 264470. Disease mechanism: loss of function.

Allele frequency attached by ClinVar (database versions not stated): TOPMed below 0.00001; ExAC 0.00001.
gnomAD v4.1: 3 of 1,614,170 alleles (0.00019%); highest among the groups gnomAD compares: Admixed American, 0.005%; no homozygotes.

Submission:

Labcorp Genetics (formerly Invitae), Labcorp
Classification: Uncertain significance for Acyl-CoA oxidase deficiency. Last evaluated: 2024-02-24. Review status: criteria provided, single submitter. Criteria: Invitae Variant Classification Sherloc (09022015). Collection method: clinical testing. Allele origin: germline.
Comment: This sequence change replaces valine, which is neutral and non-polar, with glutamic acid, which is acidic and polar, at codon 344 of the ACOX1 protein (p.Val344Glu). This variant is present in population databases (rs757531112, gnomAD 0.009%). This variant has not been reported in the literature in individuals affected with ACOX1-related conditions. ClinVar contains an entry for this variant (Variation ID: 2195693). Advanced modeling of protein sequence and biophysical properties (such as structural, functional, and spatial information, amino acid conservation, physicochemical variation, residue mobility, and thermodynamic stability) performed at Invitae indicates that this missense variant is expected to disrupt ACOX1 protein function with a positive predictive value of 80%. In summary, the available evidence is currently insufficient to determine the role of this variant in disease. Therefore, it has been classified as a Variant of Uncertain Significance.

NM_004035.7(ACOX1):c.1031T>A (p.Val344Glu)

Gene: ACOX1 (acyl-CoA oxidase 1; minus strand). Cytogenetic location: 17q25.1.
Variant type: single nucleotide variant.
Coding change: c.1031T>A on transcript NM_004035.7 (MANE Select); coding-DNA position 1031, T replaced by A.
Protein change: p.Val344Glu; replaces valine 344 with glutamic acid.
Molecular consequence: missense variant.
Genome position (GRCh38, 1-based): chr17:75,951,491, A>T on the plus strand (T>A on the coding strand, the complement: ACOX1 is on the minus strand). VCF-style: chr17-75951491-A-T. GRCh37 (hg19) VCF-style: chr17-73947572-A-T.
Other names: c.917T>A, p.Val306Glu (NM_001185039.2); c.1031T>A, p.Val344Glu (NM_007292.6); short protein forms V344E, V306E.
Identifiers: ClinVar variation 2195693 (VCV002195693.3), dbSNP rs757531112, ClinGen allele CA8776859.